The following is an entry in ClinVar:

ClinVar aggregate classification (germline): Uncertain significance (1 of 4 stars; one submission).

Submission:

Ambry Genetics
Classification: Uncertain significance. Last evaluated: 2025-04-19. Review status: criteria provided, single submitter. Criteria: Ambry Variant Classification Scheme 2023. Collection method: clinical testing. Allele origin: germline.
Comment: The p.N318Y variant (also known as c.952A>T), located in coding exon 2 of the EGLN1 gene, results from an A to T substitution at nucleotide position 952. The asparagine at codon 318 is replaced by tyrosine, an amino acid with dissimilar properties. This amino acid position is conserved. In addition, this alteration is predicted to be deleterious by in silico analysis. Based on the available evidence, the clinical significance of this variant remains unclear.

NM_022051.3(EGLN1):c.952A>T (p.Asn318Tyr)

Gene: EGLN1 (egl-9 family hypoxia inducible factor 1; minus strand). Cytogenetic location: 1q42.2.
Variant type: single nucleotide variant.
Coding change: c.952A>T on transcript NM_022051.3 (MANE Select); coding-DNA position 952, A replaced by T.
Protein change: p.Asn318Tyr; replaces asparagine 318 with tyrosine.
Molecular consequence: missense variant.
Genome position (GRCh38, 1-based): chr1:231,374,039, T>A on the plus strand (A>T on the coding strand, the complement: EGLN1 is on the minus strand). VCF-style: chr1-231374039-T-A. GRCh37 (hg19) VCF-style: chr1-231509785-T-A.
Other names: c.952A>T, p.Asn318Tyr (NM_001377260.1, NM_001377261.1); short protein forms N318Y.
Identifiers: ClinVar variation 4016861 (VCV004016861.1).